The following is an entry in ClinVar:

ClinVar aggregate classification (germline): Uncertain significance (1 of 4 stars; one submission).

Allele frequency attached by ClinVar (database versions not stated): gnomAD exomes below 0.00001.
gnomAD v4.1: 2 of 1,608,858 alleles (0.00012%); highest among the groups gnomAD compares: Non-Finnish European, 0.00017%; no homozygotes.

Submission:

Labcorp Genetics (formerly Invitae), Labcorp
Classification: Uncertain significance. Last evaluated: 2020-10-08. Review status: criteria provided, single submitter. Criteria: Invitae Variant Classification Sherloc (09022015). Collection method: clinical testing. Allele origin: germline.
Comment: In summary, the available evidence is currently insufficient to determine the role of this variant in disease. Therefore, it has been classified as a Variant of Uncertain Significance. Algorithms developed to predict the effect of missense changes on protein structure and function are either unavailable or do not agree on the potential impact of this missense change (SIFT: "Tolerated"; PolyPhen-2: "Possibly Damaging"; Align-GVGD: "Class C0"). This variant has not been reported in the literature in individuals with ARHGEF18-related conditions. This variant is not present in population databases (ExAC no frequency). This sequence change replaces glycine with aspartic acid at codon 1062 of the ARHGEF18 protein (p.Gly1062Asp). The glycine residue is highly conserved and there is a moderate physicochemical difference between glycine and aspartic acid.

NM_001367823.1(ARHGEF18):c.3749G>A (p.Gly1250Asp)

Gene: ARHGEF18 (Rho/Rac guanine nucleotide exchange factor 18; plus strand). Cytogenetic location: 19p13.2.
Variant type: single nucleotide variant.
Coding change: c.3749G>A on transcript NM_001367823.1 (MANE Select); coding-DNA position 3749, G replaced by A.
Protein change: p.Gly1250Asp; replaces glycine 1250 with aspartic acid.
Molecular consequence: missense variant.
Genome position (GRCh38, 1-based): chr19:7,469,093, G>A. VCF-style: chr19-7469093-G-A. GRCh37 (hg19) VCF-style: chr19-7533979-G-A.
Other names: c.3023G>A, p.Gly1008Asp (NM_001130955.2); c.2711G>A, p.Gly904Asp (NM_001367824.1, NM_015318.4); short protein forms G1008D, G1250D, G904D.
Identifiers: ClinVar variation 1011407 (VCV001011407.8), dbSNP rs1976852363, ClinGen allele CA403094388.
Genomic context (GRCh38, chr19:7,469,093, plus strand): 5'-CCGTGCAGCAGCAGATCCCCACCAAGCTGGCGGCCTCCACCAAGGGTGGCAAGGACAAGG[G>A]CGGCAAGAGCAGGGGCTCTCAGCGCTGGGAGAGCTCAGGTGAGCCGGCCCCACCCCTTCG-3'
Protein context (NP_001354752.1, residues 1240-1260): AASTKGGKDK[Gly1250Asp]GKSRGSQRWE